The following is an entry in ClinVar:

ClinVar aggregate classification (germline): Uncertain significance. Review status: criteria provided, multiple submitters, no conflicts (2 of 4 stars). 2 submissions from 2 submitters: Uncertain significance (2). Last evaluated 2025-02-10.

Conditions:
Multiple endocrine neoplasia, type 1 (MEN1). Also called: MEA I; Endocrine adenomatosis multiple; MEN 1; MEN I; WERMER SYNDROME. Identifiers: Orphanet 652, MedGen C0025267, MeSH D018761, MONDO:0007540, OMIM 131100.

Submissions (2):

Labcorp Genetics (formerly Invitae), Labcorp
Classification: Uncertain significance for Multiple endocrine neoplasia, type 1. Last evaluated: 2025-02-10. Review status: criteria provided, single submitter. Criteria: Invitae Variant Classification Sherloc (09022015). Collection method: clinical testing. Allele origin: germline.
Comment: This sequence change replaces leucine, which is neutral and non-polar, with proline, which is neutral and non-polar, at codon 27 of the MEN1 protein (p.Leu27Pro). This variant is not present in population databases (gnomAD no frequency). This missense change has been observed in individual(s) with MEN1-related conditions (PMID: 19406917, 30869828). Invitae Evidence Modeling of protein sequence and biophysical properties (such as structural, functional, and spatial information, amino acid conservation, physicochemical variation, residue mobility, and thermodynamic stability) indicates that this missense variant is expected to disrupt MEN1 protein function with a positive predictive value of 95%. In summary, the available evidence is currently insufficient to determine the role of this variant in disease. Therefore, it has been classified as a Variant of Uncertain Significance.

Women's Health and Genetics/Laboratory Corporation of America, LabCorp
Classification: Uncertain significance. Last evaluated: 2024-12-03. Review status: criteria provided, single submitter. Criteria: LabCorp Variant Classification Summary - May 2015. Collection method: clinical testing. Allele origin: germline.
Comment: Variant summary: MEN1 c.80T>C (p.Leu27Pro) results in a non-conservative amino acid change in the encoded protein sequence. Five of five in-silico tools predict a damaging effect of the variant on protein function. The frequency data for this variant in gnomAD is considered unreliable, as metrics indicate poor data quality at this position. c.80T>C has been reported in the literature in at least one heterozygous individual affected with Multiple Endocrine Neoplasia Type 1 and in an additional individual with personal or family history of Multiple Endocrine Neoplasia Type 1 (e.g. Wenzel_2009, Romanet_2019). These data do not allow any conclusion about variant significance. To our knowledge, no experimental evidence demonstrating an impact on protein function has been reported. The following publications have been ascertained in the context of this evaluation (PMID: 30869828, 19406917). No submitters have cited clinical-significance assessments for this variant to ClinVar. Based on the evidence outlined above, the variant was classified as uncertain significance.

Literature cited by the submitters: PubMed 19406917 (cited by Labcorp Genetics (formerly Invitae), Labcorp and Women's Health and Genetics/Laboratory Corporation of America, LabCorp); PubMed 30869828 (cited by Labcorp Genetics (formerly Invitae), Labcorp and Women's Health and Genetics/Laboratory Corporation of America, LabCorp).

NM_001370259.2(MEN1):c.80T>C (p.Leu27Pro)

Gene: MEN1 (menin 1; minus strand). Cytogenetic location: 11q13.1.
Variant type: single nucleotide variant.
Coding change: c.80T>C on transcript NM_001370259.2 (MANE Select); coding-DNA position 80, T replaced by C.
Protein change: p.Leu27Pro; replaces leucine 27 with proline.
Molecular consequence: missense variant. On other transcripts: non-coding transcript variant (4).
Genome position (GRCh38, 1-based): chr11:64,810,030, A>G on the plus strand (T>C on the coding strand, the complement: MEN1 is on the minus strand). VCF-style: chr11-64810030-A-G. GRCh37 (hg19) VCF-style: chr11-64577502-A-G.
Other names: c.80T>C, p.Leu27Pro (NM_000244.4, NM_001370251.2, NM_001370260.2 and 20 more transcripts); short protein forms L27P.
Identifiers: ClinVar variation 3768302 (VCV003768302.2).